The following is an entry in ClinVar:

ClinVar aggregate classification (germline): Likely benign. Review status: criteria provided, multiple submitters, no conflicts (2 of 4 stars). 3 submissions from 3 submitters: Likely benign (3). Last evaluated 2026-06-22.

Conditions:
Retinoblastoma (RB1). Also called: RETINOBLASTOMA, SOMATIC. Identifiers: Orphanet 790, MedGen C0035335, MeSH D012175, MONDO:0008380, OMIM 180200, HP:0009919. Disease mechanism: loss of function. Inheritance: Both sporadic and heritable forms are tested..

Allele frequency attached by ClinVar (database versions not stated): gnomAD exomes 0.00001; TOPMed 0.00001; ExAC 0.00002.
gnomAD v4.1: 18 of 1,613,198 alleles (0.0011%); highest among the groups gnomAD compares: Non-Finnish European, 0.00068%; no homozygotes.

Submissions (3):

Myriad Genetics, Inc.
Classification: Likely benign for Retinoblastoma. Last evaluated: 2026-06-22. Review status: criteria provided, single submitter. Criteria: Myriad Autosomal Dominant, Autosomal Recessive and X-Linked Classification Criteria (2023). Collection method: clinical testing. Allele origin: unknown.
Comment: This variant is considered likely benign. This variant is intronic and is not expected to impact mRNA splicing.

Labcorp Genetics (formerly Invitae), Labcorp
Classification: Likely benign for Retinoblastoma. Last evaluated: 2025-10-23. Review status: criteria provided, single submitter. Criteria: Invitae Variant Classification Sherloc (09022015). Collection method: clinical testing. Allele origin: germline.

Blueprint Genetics
Classification: Likely benign. Last evaluated: 2022-08-01. Review status: criteria provided, single submitter. Criteria: ACMG Guidelines, 2015. Collection method: clinical testing. Allele origin: germline.

NM_000321.3(RB1):c.2663+8C>G

Gene: RB1 (RB transcriptional corepressor 1; plus strand). Cytogenetic location: 13q14.2.
Variant type: single nucleotide variant.
Coding change: c.2663+8C>G on transcript NM_000321.3 (MANE Select); 8 bases into the intron after coding-DNA position 2663, C replaced by G.
Molecular consequence: intron variant.
Genome position (GRCh38, 1-based): chr13:48,476,851, C>G. VCF-style: chr13-48476851-C-G. GRCh37 (hg19) VCF-style: chr13-49050987-C-G.
Identifiers: ClinVar variation 527938 (VCV000527938.13), dbSNP rs747518543, ClinGen allele CA036835.